The following is an entry in ClinVar:

NC_000012.11:g.(?_112856916)_(112856949_?)del

Gene: PTPN11 (protein tyrosine phosphatase non-receptor type 11; plus strand). Cytogenetic location: 12q24.13.
Variant type: Deletion.
Identifiers: ClinVar variation 3244344 (VCV003244344.1).

ClinVar aggregate classification (germline): Pathogenic (1 of 4 stars; one submission).

Conditions:
RASopathy. Also called: Noonan spectrum disorder; rasopathies. Identifiers: Orphanet 536391, MedGen C5555857, MONDO:0021060.

Submission:

Labcorp Genetics (formerly Invitae), Labcorp
Classification: Pathogenic for RASopathy. Last evaluated: 2024-01-02. Review status: criteria provided, single submitter. Criteria: Invitae Variant Classification Sherloc (09022015). Collection method: clinical testing. Allele origin: unknown.
Comment: This variant is a gross deletion of the genomic region encompassing exon(s) 1 of the PTPN11 gene, which includes the initiator codon. This deletion extends beyond the assayed region for this gene and therefore may encompass additional genes. It is expected to result in an absent or disrupted protein product. Loss-of-function variants in PTPN11 are known to be pathogenic (PMID: 20577567, 21533187). This variant has not been reported in the literature in individuals affected with PTPN11-related conditions. For these reasons, this variant has been classified as Pathogenic.

Literature cited by the submitters: PubMed 20577567; PubMed 21533187.